The following is an entry in ClinVar:

NM_000264.5(PTCH1):c.89G>A (p.Gly30Asp)

Genes: PTCH1 (patched 1; minus strand), LOC130002133 (ATAC-STARR-seq lymphoblastoid silent region 20071; plus strand). Cytogenetic location: 9q22.32.
Variant type: single nucleotide variant.
Coding change: c.89G>A on transcript NM_000264.5 (MANE Select); coding-DNA position 89, G replaced by A.
Protein change: p.Gly30Asp; replaces glycine 30 with aspartic acid.
Molecular consequence: missense variant. On other transcripts: non-coding transcript variant (1), intron variant (3).
Genome position (GRCh38, 1-based): chr9:95,508,273, C>T on the plus strand (G>A on the coding strand, the complement: PTCH1 is on the minus strand). VCF-style: chr9-95508273-C-T. GRCh37 (hg19) VCF-style: chr9-98270555-C-T.
Other names: c.89G>A, p.Gly30Asp (NM_001354918.2); c.199-1674G>A (NM_001083603.3); c.4-1674G>A (NM_001083602.3, NM_001354919.2); short protein forms G30D.
Identifiers: ClinVar variation 2564401 (VCV002564401.2), dbSNP rs2538403955, ClinGen allele CA374121446.

ClinVar aggregate classification (germline): Uncertain significance (1 of 4 stars; one submission).

Conditions:
Hereditary cancer-predisposing syndrome. Also called: Neoplastic Syndromes, Hereditary; Hereditary Cancer Syndrome; Hereditary neoplastic syndrome; Tumor predisposition. Identifiers: Orphanet 140162, MedGen C0027672, MeSH D009386, MONDO:0015356.

Submission:

Ambry Genetics
Classification: Uncertain significance for Hereditary cancer-predisposing syndrome. Last evaluated: 2023-05-23. Review status: criteria provided, single submitter. Criteria: Ambry Variant Classification Scheme 2023. Collection method: clinical testing. Allele origin: germline.
Comment: The p.G30D variant (also known as c.89G>A), located in coding exon 1 of the PTCH1 gene, results from a G to A substitution at nucleotide position 89. The glycine at codon 30 is replaced by aspartic acid, an amino acid with similar properties. This amino acid position is conserved. In addition, this alteration is predicted to be tolerated by in silico analysis. Since supporting evidence is limited at this time, the clinical significance of this alteration remains unclear.